The following is an entry in ClinVar:

NM_001161352.2(KCNMA1):c.2316T>A (p.Asn772Lys)

Genes: KCNMA1 (potassium calcium-activated channel subfamily M alpha 1; minus strand), KCNMA1-AS1 (KCNMA1 antisense RNA 1; plus strand). Cytogenetic location: 10q22.3.
Variant type: single nucleotide variant.
Coding change: c.2316T>A on transcript NM_001161352.2 (MANE Select); coding-DNA position 2316, T replaced by A.
Protein change: p.Asn772Lys; replaces asparagine 772 with lysine.
Molecular consequence: missense variant.
Genome position (GRCh38, 1-based): chr10:76,970,018, A>T on the plus strand (T>A on the coding strand, the complement: KCNMA1 is on the minus strand). VCF-style: chr10-76970018-A-T. GRCh37 (hg19) VCF-style: chr10-78729776-A-T.
Other names: c.2154T>A, p.Asn718Lys (NM_001014797.3, NM_001322835.2, NM_001322837.2); c.2142T>A, p.Asn714Lys (NM_001161353.2, NM_001322832.2, NM_001410940.1 and 1 more transcripts); c.1992T>A, p.Asn664Lys (NM_001271518.2); c.2151T>A, p.Asn717Lys (NM_001271519.2, NM_001322829.2, NM_001322836.2); c.2163T>A, p.Asn721Lys (NM_001322830.2); c.1689T>A, p.Asn563Lys (NM_001322838.2); c.2142T>A (NM_002247.3); short protein forms N563K, N664K, N714K, N717K, N718K, N721K, N772K.
Identifiers: ClinVar variation 1716194 (VCV001716194.7), dbSNP rs778997353, ClinGen allele CA377408399.

ClinVar aggregate classification (germline): Uncertain significance. Review status: criteria provided, multiple submitters, no conflicts (2 of 4 stars). 2 submissions from 2 submitters: Uncertain significance (2). Last evaluated 2025-03-31.

Conditions:
KCNMA1-related disorder. Also called: KCNMA1-related condition; KCNMA1-related disorders.
Generalized epilepsy-paroxysmal dyskinesia syndrome (PNKD3). Also called: Generalized epilepsy and paroxysmal dyskinesia; Paroxysmal nonkinesigenic dyskinesia, 3, with or without generalized epilepsy. Identifiers: Orphanet 79137, MedGen C5574945, MONDO:0012276, OMIM 609446.

gnomAD v4.1: 2 of 1,613,622 alleles (0.00012%); highest among the groups gnomAD compares: Non-Finnish European, 0.00017%; no homozygotes.

Submissions (2):

Labcorp Genetics (formerly Invitae), Labcorp
Classification: Uncertain significance for Generalized epilepsy-paroxysmal dyskinesia syndrome. Last evaluated: 2025-03-31. Review status: criteria provided, single submitter. Criteria: Invitae Variant Classification Sherloc (09022015). Collection method: clinical testing. Allele origin: germline.
Comment: This sequence change replaces asparagine, which is neutral and polar, with lysine, which is basic and polar, at codon 714 of the KCNMA1 protein (p.Asn714Lys). This variant is not present in population databases (gnomAD no frequency). This variant has not been reported in the literature in individuals affected with KCNMA1-related conditions. ClinVar contains an entry for this variant (Variation ID: 1716194). An algorithm developed to predict the effect of missense changes on protein structure and function (PolyPhen-2) suggests that this variant is likely to be tolerated. In summary, the available evidence is currently insufficient to determine the role of this variant in disease. Therefore, it has been classified as a Variant of Uncertain Significance.

PreventionGenetics, part of Exact Sciences
Classification: Uncertain significance for KCNMA1-related condition. Last evaluated: 2023-04-18. Review status: criteria provided, single submitter. Criteria: ACMG Guidelines, 2015. Collection method: clinical testing. Allele origin: germline.
Comment: The KCNMA1 c.2142T>A variant is predicted to result in the amino acid substitution p.Asn714Lys. To our knowledge, this variant has not been reported in the literature or in a large population database, indicating this variant is rare. At this time, the clinical significance of this variant is uncertain due to the absence of conclusive functional and genetic evidence.